The following is an entry in ClinVar:

ClinVar aggregate classification (germline): Uncertain significance (1 of 4 stars; one submission).

Conditions:
Neurodegeneration with brain iron accumulation 5 (NBIA5). Also called: Beta-propeller protein-associated neurodegeneration; STATIC ENCEPHALOPATHY OF CHILDHOOD WITH NEURODEGENERATION IN ADULTHOOD. Identifiers: Orphanet 329284, MedGen C3550973, MONDO:0010476, OMIM 300894.

Submission:

Labcorp Genetics (formerly Invitae), Labcorp
Classification: Uncertain significance for Neurodegeneration with brain iron accumulation 5. Last evaluated: 2023-12-06. Review status: criteria provided, single submitter. Criteria: Invitae Variant Classification Sherloc (09022015). Collection method: clinical testing. Allele origin: germline.
Comment: This variant, c.197_199del, results in the deletion of 1 amino acid(s) of the WDR45 protein (p.Val66del), but otherwise preserves the integrity of the reading frame. This variant is not present in population databases (gnomAD no frequency). This variant has not been reported in the literature in individuals affected with WDR45-related conditions. Experimental studies and prediction algorithms are not available or were not evaluated, and the functional significance of this variant is currently unknown. In summary, the available evidence is currently insufficient to determine the role of this variant in disease. Therefore, it has been classified as a Variant of Uncertain Significance.

NM_001029896.2(WDR45):c.194TGG[1] (p.Val66del)

Genes: WDR45 (WD repeat domain 45; minus strand), LOC126863256 (BRD4-independent group 4 enhancer GRCh37_chrX:48934848-48936047; plus strand). Cytogenetic location: Xp11.23.
Variant type: Microsatellite.
Coding change: c.194TGG[1] on transcript NM_001029896.2 (MANE Select); one copy of the 3-base unit TGG starting at c.194; the reference has two copies in a row; one copy, 3 bases deleted.
Protein change: p.Val66del; deletes valine 66.
Molecular consequence: inframe deletion.
Genome position (GRCh38, 1-based): chrX:49,077,679-49,077,681, CCA deleted on the plus strand (TGG on the coding strand, the reverse complement: WDR45 is on the minus strand); deleting any 3 consecutive bases within chrX:49,077,679-49,077,684 gives the same sequence; the position shown is the placement nearest the transcript's 3' end. VCF-style (leftmost placement, unchanged base first): chrX-49077678-CCCA-C. GRCh37 (hg19) VCF-style: chrX-48935337-CCCA-C.
Other names: c.194TGG[1], p.Val66del (NM_007075.4); short protein forms V66del.
Identifiers: ClinVar variation 2134301 (VCV002134301.4), dbSNP rs2520266234, ClinGen allele CA2580617044.